The following is an entry in ClinVar:

NM_003200.5(TCF3):c.1361G>T (p.Gly454Val)

Gene: TCF3 (transcription factor 3; minus strand). Cytogenetic location: 19p13.3.
Variant type: single nucleotide variant.
Coding change: c.1361G>T on transcript NM_003200.5 (MANE Select); coding-DNA position 1361, G replaced by T.
Protein change: p.Gly454Val; replaces glycine 454 with valine.
Molecular consequence: missense variant.
Genome position (GRCh38, 1-based): chr19:1,619,200, C>A on the plus strand (G>T on the coding strand, the complement: TCF3 is on the minus strand). VCF-style: chr19-1619200-C-A. GRCh37 (hg19) VCF-style: chr19-1619199-C-A.
Other names: c.1361G>T, p.Gly454Val (NM_001136139.4, NM_001351779.2); c.1358G>T, p.Gly453Val (NM_001351778.2); short protein forms G454V, G453V.
Identifiers: ClinVar variation 2802474 (VCV002802474.3), dbSNP rs766026519, ClinGen allele CA403052459.

ClinVar aggregate classification (germline): Uncertain significance (1 of 4 stars; one submission).

Submission:

Labcorp Genetics (formerly Invitae), Labcorp
Classification: Uncertain significance. Last evaluated: 2022-10-26. Review status: criteria provided, single submitter. Criteria: Invitae Variant Classification Sherloc (09022015). Collection method: clinical testing. Allele origin: germline.
Comment: In summary, the available evidence is currently insufficient to determine the role of this variant in disease. Therefore, it has been classified as a Variant of Uncertain Significance. Algorithms developed to predict the effect of missense changes on protein structure and function are either unavailable or do not agree on the potential impact of this missense change (SIFT: "Not Available"; PolyPhen-2: "Possibly Damaging"; Align-GVGD: "Not Available"). This variant has not been reported in the literature in individuals affected with TCF3-related conditions. This variant is not present in population databases (gnomAD no frequency). This sequence change replaces glycine, which is neutral and non-polar, with valine, which is neutral and non-polar, at codon 454 of the TCF3 protein (p.Gly454Val).